The following is an entry in ClinVar:

ClinVar aggregate classification (germline): Conflicting classifications of pathogenicity. Review status: criteria provided, conflicting classifications (1 of 4 stars). 3 submissions from 3 submitters: Uncertain significance (2); Likely benign (1). Last evaluated 2025-11-12.

Conditions:
Primary ciliary dyskinesia. Also called: Ciliary dyskinesia. Identifiers: Orphanet 244, MedGen C0008780, MONDO:0016575, HP:0012265.

Allele frequency attached by ClinVar (database versions not stated): gnomAD exomes 0.00002 and 0.00003; ExAC 0.00003; gnomAD 0.00003 and 0.00004; TOPMed 0.00007; 1000 Genomes Project 0.00020; 1000 Genomes Project 30x 0.00031.
gnomAD v4.1: 41 of 1,613,726 alleles (0.0025%); highest among the groups gnomAD compares: South Asian, 0.0099%; no homozygotes.

Submissions (3):

Labcorp Genetics (formerly Invitae), Labcorp
Classification: Uncertain significance for Primary ciliary dyskinesia. Last evaluated: 2025-11-12. Review status: criteria provided, single submitter. Criteria: Invitae Variant Classification Sherloc (09022015). Collection method: clinical testing. Allele origin: germline.
Comment: This sequence change replaces valine, which is neutral and non-polar, with methionine, which is neutral and non-polar, at codon 606 of the DNAAF5 protein (p.Val606Met). This variant is present in population databases (rs200034358, gnomAD 0.01%). This variant has not been reported in the literature in individuals affected with DNAAF5-related conditions. ClinVar contains an entry for this variant (Variation ID: 658136). Invitae Evidence Modeling of protein sequence and biophysical properties (such as structural, functional, and spatial information, amino acid conservation, physicochemical variation, residue mobility, and thermodynamic stability) indicates that this missense variant is not expected to disrupt DNAAF5 protein function with a negative predictive value of 80%. In summary, the available evidence is currently insufficient to determine the role of this variant in disease. Therefore, it has been classified as a Variant of Uncertain Significance.

GeneDx
Classification: Uncertain significance. Last evaluated: 2022-07-29. Review status: criteria provided, single submitter. Criteria: GeneDx Variant Classification Process June 2021. Collection method: clinical testing. Allele origin: germline. Affected: yes.
Comment: In silico analysis supports that this missense variant does not alter protein structure/function; Has not been previously published as pathogenic or benign to our knowledge

Ambry Genetics
Classification: Likely benign for Primary ciliary dyskinesia. Last evaluated: 2022-01-07. Review status: criteria provided, single submitter. Criteria: Ambry Variant Classification Scheme 2023. Collection method: clinical testing. Allele origin: germline.

NM_017802.4(DNAAF5):c.1816G>A (p.Val606Met)

Gene: DNAAF5 (dynein axonemal assembly factor 5; plus strand). Cytogenetic location: 7p22.3.
Variant type: single nucleotide variant.
Coding change: c.1816G>A on transcript NM_017802.4 (MANE Select); coding-DNA position 1816, G replaced by A.
Protein change: p.Val606Met; replaces valine 606 with methionine.
Molecular consequence: missense variant. On other transcripts: non-coding transcript variant (1).
Genome position (GRCh38, 1-based): chr7:770,503, G>A. VCF-style: chr7-770503-G-A. GRCh37 (hg19) VCF-style: chr7-810140-G-A.
Other names: short protein forms V606M.
Identifiers: ClinVar variation 658136 (VCV000658136.18), dbSNP rs200034358, ClinGen allele CA4110942.